The following is an entry in ClinVar:

ClinVar aggregate classification (germline): Uncertain significance (1 of 4 stars; one submission).

Conditions:
Hyperphosphatasia with impaired intellectual development syndrome 2. Also called: GLYCOSYLPHOSPHATIDYLINOSITOL BIOSYNTHESIS DEFECT 6; Hyperphosphatasia with intellectual disability syndrome 2. Identifiers: Orphanet 247262, MedGen C3553637, MONDO:0013882, OMIM 614749.

Allele frequency attached by ClinVar (database versions not stated): gnomAD exomes 0.00001; ExAC 0.00002.
gnomAD v4.1: 9 of 1,614,196 alleles (0.00056%); highest among the groups gnomAD compares: East Asian, 0.016%; no homozygotes.

Submission:

Labcorp Genetics (formerly Invitae), Labcorp
Classification: Uncertain significance for Hyperphosphatasia with impaired intellectual development syndrome 2. Last evaluated: 2023-06-09. Review status: criteria provided, single submitter. Criteria: Invitae Variant Classification Sherloc (09022015). Collection method: clinical testing. Allele origin: germline.
Comment: In summary, the available evidence is currently insufficient to determine the role of this variant in disease. Therefore, it has been classified as a Variant of Uncertain Significance. This sequence change replaces valine, which is neutral and non-polar, with alanine, which is neutral and non-polar, at codon 661 of the PIGO protein (p.Val661Ala). This variant is present in population databases (rs769720030, gnomAD 0.03%). This variant has not been reported in the literature in individuals affected with PIGO-related conditions. An algorithm developed to predict the effect of missense changes on protein structure and function (PolyPhen-2) suggests that this variant is likely to be tolerated.

NM_032634.4(PIGO):c.1982T>C (p.Val661Ala)

Gene: PIGO (phosphatidylinositol glycan anchor biosynthesis class O; minus strand). Cytogenetic location: 9p13.3.
Variant type: single nucleotide variant.
Coding change: c.1982T>C on transcript NM_032634.4 (MANE Select); coding-DNA position 1982, T replaced by C.
Protein change: p.Val661Ala; replaces valine 661 with alanine.
Molecular consequence: missense variant. On other transcripts: intron variant (2).
Genome position (GRCh38, 1-based): chr9:35,091,905, A>G on the plus strand (T>C on the coding strand, the complement: PIGO is on the minus strand). VCF-style: chr9-35091905-A-G. GRCh37 (hg19) VCF-style: chr9-35091902-A-G.
Other names: c.1345-614T>C (NM_152850.4, NM_001201484.2); short protein forms V661A.
Identifiers: ClinVar variation 2904239 (VCV002904239.3), dbSNP rs769720030, ClinGen allele CA5040532.